The following is an entry in ClinVar:

ClinVar aggregate classification (germline): Conflicting classifications of pathogenicity. Review status: criteria provided, conflicting classifications (1 of 4 stars). 4 submissions from 4 submitters: Uncertain significance (1); Likely benign (2). 1 of the submissions does not count toward it. Last evaluated 2026-01-12.

Conditions:
Primary ciliary dyskinesia. Also called: Ciliary dyskinesia. Identifiers: Orphanet 244, MedGen C0008780, MONDO:0016575, HP:0012265.

Allele frequency attached by ClinVar (database versions not stated): gnomAD 0.00001; TOPMed 0.00008.
gnomAD v4.1: 54 of 1,613,628 alleles (0.0033%); highest among the groups gnomAD compares: Admixed American, 0.087%; no homozygotes.

Submissions (4):

Labcorp Genetics (formerly Invitae), Labcorp
Classification: Likely benign for Primary ciliary dyskinesia. Last evaluated: 2026-01-12. Review status: criteria provided, single submitter. Criteria: Invitae Variant Classification Sherloc (09022015). Collection method: clinical testing. Allele origin: germline.

Ambry Genetics
Classification: Likely benign for Primary ciliary dyskinesia. Last evaluated: 2022-08-17. Review status: criteria provided, single submitter. Criteria: Ambry Variant Classification Scheme 2023. Collection method: clinical testing. Allele origin: germline.

Laboratory for Molecular Medicine, Mass General Brigham Personalized Medicine
Classification: Uncertain significance. Last evaluated: 2015-09-16. Review status: criteria provided, single submitter. Criteria: LMM Criteria. Collection method: clinical testing. Allele origin: germline. Observed: 1 variant allele.
Comment: Variant classified as Uncertain Significance - Favor Benign. The p.Thr2947Ile va riant in DNAH5 has not been previously reported in individuals with pulmonary di sease, but has been identified in 0.14% (16/11474) of Latino chromosomes by the Exome Aggregation Consortium (ExAC). Computation al prediction tools and conservation analysis do not provide strong support for or against an impact to the protein. In summary, while the clinical significance of the p.Thr2947Ile variant is uncertain, its frequency suggests that it is mor e likely to be benign.

Natera, Inc.
Classification: Uncertain significance for Primary ciliary dyskinesia. Last evaluated: 2019-10-28. Review status: no assertion criteria provided. Collection method: clinical testing. Allele origin: germline. Not counted in ClinVar's aggregate classification.

NM_001369.3(DNAH5):c.8840C>T (p.Thr2947Ile)

Gene: DNAH5 (dynein axonemal heavy chain 5; minus strand). Cytogenetic location: 5p15.2.
Variant type: single nucleotide variant.
Coding change: c.8840C>T on transcript NM_001369.3 (MANE Select); coding-DNA position 8840, C replaced by T.
Protein change: p.Thr2947Ile; replaces threonine 2947 with isoleucine.
Molecular consequence: missense variant.
Genome position (GRCh38, 1-based): chr5:13,780,940, G>A on the plus strand (C>T on the coding strand, the complement: DNAH5 is on the minus strand). VCF-style: chr5-13780940-G-A. GRCh37 (hg19) VCF-style: chr5-13781049-G-A.
Other names: short protein forms T2947I.
Identifiers: ClinVar variation 228609 (VCV000228609.14), dbSNP rs756216163, ClinGen allele CA3202693.